The following is an entry in ClinVar:

ClinVar aggregate classification (germline): Uncertain significance. Review status: criteria provided, multiple submitters, no conflicts (2 of 4 stars). 5 submissions from 5 submitters: Uncertain significance (5). Last evaluated 2025-05-05.

Conditions:
Ventricular arrhythmias due to cardiac ryanodine receptor calcium release deficiency syndrome. Also called: Autosomal dominant cardiac arrhythmia (Kuhn). Identifiers: MedGen C5542154, MONDO:0020745, OMIM 115000.
Arrhythmogenic right ventricular dysplasia 2. Identifiers: MedGen C1832931.
Catecholaminergic polymorphic ventricular tachycardia 1. Also called: VENTRICULAR TACHYCARDIA, STRESS-INDUCED POLYMORPHIC 1; VENTRICULAR TACHYCARDIA, CATECHOLAMINERGIC POLYMORPHIC, 1, WITH OR WITHOUT ATRIAL DYSFUNCTION AND/OR DILATED CARDIOMYOPATHY; RYR2-Related Catecholaminergic Polymorphic Ventricular Tachycardia. Identifiers: Orphanet 3286, MedGen C1631597, MONDO:0011484, OMIM 604772.
Cardiovascular phenotype. Identifiers: MedGen CN230736.
Catecholaminergic polymorphic ventricular tachycardia (CVPT). Also called: Catecholamine-induced polymorphic ventricular tachycardia. Identifiers: Orphanet 3286, MedGen C5574922, MONDO:0017990.
Cardiomyopathy (CMYO). Also called: Cardiomyopathies. Identifiers: Orphanet 167848, MedGen C0878544, MONDO:0004994, HP:0001638. Inheritance: Various modes of inheritance.

Allele frequency attached by ClinVar (database versions not stated): TOPMed 0.00001.

Submissions (5):

Labcorp Genetics (formerly Invitae), Labcorp
Classification: Uncertain significance for Catecholaminergic polymorphic ventricular tachycardia 1. Last evaluated: 2025-05-05. Review status: criteria provided, single submitter. Criteria: Invitae Variant Classification Sherloc (09022015). Collection method: clinical testing. Allele origin: germline.
Comment: This sequence change replaces threonine, which is neutral and polar, with alanine, which is neutral and non-polar, at codon 1317 of the RYR2 protein (p.Thr1317Ala). This variant is not present in population databases (gnomAD no frequency). This variant has not been reported in the literature in individuals affected with RYR2-related conditions. ClinVar contains an entry for this variant (Variation ID: 463597). Invitae Evidence Modeling of protein sequence and biophysical properties (such as structural, functional, and spatial information, amino acid conservation, physicochemical variation, residue mobility, and thermodynamic stability) indicates that this missense variant is not expected to disrupt RYR2 protein function with a negative predictive value of 95%. In summary, the available evidence is currently insufficient to determine the role of this variant in disease. Therefore, it has been classified as a Variant of Uncertain Significance.

Ambry Genetics
Classification: Uncertain significance for Cardiovascular phenotype. Last evaluated: 2023-08-11. Review status: criteria provided, single submitter. Criteria: Ambry Variant Classification Scheme 2023. Collection method: clinical testing. Allele origin: germline.
Comment: The p.T1317A variant (also known as c.3949A>G), located in coding exon 31 of the RYR2 gene, results from an A to G substitution at nucleotide position 3949. The threonine at codon 1317 is replaced by alanine, an amino acid with similar properties. This amino acid position is not well conserved in available vertebrate species. In addition, this alteration is predicted to be tolerated by in silico analysis. Since supporting evidence is limited at this time, the clinical significance of this alteration remains unclear.

All of Us Research Program, National Institutes of Health
Classification: Uncertain significance for Catecholaminergic polymorphic ventricular tachycardia. Last evaluated: 2023-04-27. Review status: criteria provided, single submitter. Criteria: ACMG Guidelines, 2015. Collection method: clinical testing. Allele origin: germline. Inheritance: Autosomal dominant inheritance. Observed: 1 variant allele, 1 heterozygote.
Comment: This study involves interpretation of variants in research participants for the purpose of population health screening. Participant phenotype was not available at the time of variant classification. Additional details can be found in publication PMID: 35346344, PMCID: PMC8962531

Color Diagnostics, LLC DBA Color Health
Classification: Uncertain significance for Cardiomyopathy. Last evaluated: 2022-11-06. Review status: criteria provided, single submitter. Criteria: ACMG Guidelines, 2015. Collection method: clinical testing. Allele origin: germline.
Comment: This missense variant replaces threonine with alanine at codon 1317 of the RYR2 protein. Computational prediction suggests that this variant may not impact protein structure and function (internally defined REVEL score threshold <= 0.5, PMID: 27666373). To our knowledge, functional studies have not been reported for this variant. This variant has not been reported in individuals affected with RYR2-related disorders in the literature. This variant has not been identified in the general population by the Genome Aggregation Database (gnomAD). The available evidence is insufficient to determine the role of this variant in disease conclusively. Therefore, this variant is classified as a Variant of Uncertain Significance.

Fulgent Genetics
Classification: Uncertain significance for Ventricular arrhythmias due to cardiac ryanodine receptor calcium release deficiency syndrome; Catecholaminergic polymorphic ventricular tachycardia 1. Last evaluated: 2021-07-28. Review status: criteria provided, single submitter. Criteria: ACMG Guidelines, 2015. Collection method: clinical testing. Allele origin: unknown.

NM_001035.3(RYR2):c.3949A>G (p.Thr1317Ala)

Genes: RYR2 (ryanodine receptor 2; plus strand), LOC126806067 (BRD4-independent group 4 enhancer GRCh37_chr1:237753258-237754457; plus strand). Cytogenetic location: 1q43.
Variant type: single nucleotide variant.
Coding change: c.3949A>G on transcript NM_001035.3 (MANE Select); coding-DNA position 3949, A replaced by G.
Protein change: p.Thr1317Ala; replaces threonine 1317 with alanine.
Molecular consequence: missense variant.
Genome position (GRCh38, 1-based): chr1:237,590,781, A>G. VCF-style: chr1-237590781-A-G. GRCh37 (hg19) VCF-style: chr1-237754081-A-G.
Other names: c.3949A>G, p.Thr1317Ala (LRG_402t1); short protein forms T1317A.
Identifiers: ClinVar variation 463597 (VCV000463597.15), dbSNP rs1553514981, ClinGen allele CA345397423.